The following is an entry in ClinVar:

NM_000069.3(CACNA1S):c.1670G>A (p.Arg557His)

Gene: CACNA1S (calcium voltage-gated channel subunit alpha1 S; minus strand). Cytogenetic location: 1q32.1.
Variant type: single nucleotide variant.
Coding change: c.1670G>A on transcript NM_000069.3 (MANE Select); coding-DNA position 1670, G replaced by A.
Protein change: p.Arg557His; replaces arginine 557 with histidine.
Molecular consequence: missense variant.
Genome position (GRCh38, 1-based): chr1:201,077,077, C>T on the plus strand (G>A on the coding strand, the complement: CACNA1S is on the minus strand). VCF-style: chr1-201077077-C-T. GRCh37 (hg19) VCF-style: chr1-201046205-C-T.
Other names: short protein forms R557H.
Identifiers: ClinVar variation 294761 (VCV000294761.25), dbSNP rs4915212, ClinGen allele CA078511.

ClinVar aggregate classification (germline): Benign/Likely benign. Review status: criteria provided, multiple submitters, no conflicts (2 of 4 stars). 12 submissions from 9 submitters: Benign (5); Likely benign (7). Last evaluated 2026-09-01.

Conditions:
Malignant hyperthermia, susceptibility to, 5 (MHS5). Also called: CACNA1S-Related Malignant Hyperthermia Susceptibility. Identifiers: Orphanet 423, MedGen C1866077, MONDO:0011163, OMIM 601887.
Hypokalemic periodic paralysis, type 1. Also called: HypoPP; Hypokalemic Periodic Paralysis Type 1 (AD). Identifiers: Orphanet 681, MedGen C3714580, MONDO:0042979, OMIM 170400.
Thyrotoxic periodic paralysis, susceptibility to, 1 (TTPP1). Identifiers: Orphanet 79102, MedGen C2749982, MONDO:0008570, OMIM 188580.
Congenital myopathy 18. Also called: DIHYDROPYRIDINE RECEPTOR CONGENITAL MYOPATHY; DHPR CONGENITAL MYOPATHY; Myopathy, congenital, due to dihydropyridine receptor defect. Identifiers: MedGen C5830283, MONDO:0859514, OMIM 620246.

Allele frequency attached by ClinVar (database versions not stated): gnomAD 0.00022 and 0.00023; 1000 Genomes Project 0.00060; 1000 Genomes Project 30x 0.00062; TOPMed 0.00071; ExAC 0.00141; gnomAD exomes 0.00156.

Submissions (12):

CeGaT Center for Human Genetics Tuebingen
Classification: Benign. Last evaluated: 2026-09-01. Review status: criteria provided, single submitter. Criteria: CeGaT Center For Human Genetics Tuebingen Variant Classification Criteria Version 2. Collection method: clinical testing. Allele origin: germline. Affected: yes. Observed: 13 variant alleles.
Comment: CACNA1S: BS1, BS2

Labcorp Genetics (formerly Invitae), Labcorp
Classification: Benign for Hypokalemic periodic paralysis, type 1; Malignant hyperthermia, susceptibility to, 5. Last evaluated: 2026-02-03. Review status: criteria provided, single submitter. Criteria: Invitae Variant Classification Sherloc (09022015). Collection method: clinical testing. Allele origin: germline.

Blueprint Genetics
Classification: Likely benign. Last evaluated: 2024-07-05. Review status: criteria provided, single submitter. Criteria: ACMG Guidelines, 2015. Collection method: clinical testing. Allele origin: germline.

Genome-Nilou Lab
Classification: Likely benign for Malignant hyperthermia, susceptibility to, 5. Last evaluated: 2023-04-11. Review status: criteria provided, single submitter. Criteria: ACMG Guidelines, 2015. Collection method: clinical testing. Allele origin: germline. Affected: no.

Genome-Nilou Lab
Classification: Likely benign for Thyrotoxic periodic paralysis, susceptibility to, 1. Last evaluated: 2023-04-11. Review status: criteria provided, single submitter. Criteria: ACMG Guidelines, 2015. Collection method: clinical testing. Allele origin: germline. Affected: no.

Genome-Nilou Lab
Classification: Likely benign for Congenital myopathy 18. Last evaluated: 2023-04-11. Review status: criteria provided, single submitter. Criteria: ACMG Guidelines, 2015. Collection method: clinical testing. Allele origin: germline. Affected: no.

Genome-Nilou Lab
Classification: Likely benign for Hypokalemic periodic paralysis, type 1. Last evaluated: 2023-04-11. Review status: criteria provided, single submitter. Criteria: ACMG Guidelines, 2015. Collection method: clinical testing. Allele origin: germline. Affected: no.

Color Diagnostics, LLC DBA Color Health
Classification: Benign for Malignant hyperthermia, susceptibility to, 5. Last evaluated: 2022-10-25. Review status: criteria provided, single submitter. Criteria: ACMG Guidelines, 2015. Collection method: clinical testing. Allele origin: germline.

GeneDx
Classification: Benign. Last evaluated: 2019-04-12. Review status: criteria provided, single submitter. Criteria: GeneDx Variant Classification Process June 2021. Collection method: clinical testing. Allele origin: germline. Affected: yes.

Illumina Laboratory Services, Illumina
Classification: Likely benign for Hypokalemic periodic paralysis, type 1. Last evaluated: 2018-01-29. Review status: criteria provided, single submitter. Criteria: ICSL Variant Classification Criteria 13 December 2019. Collection method: clinical testing. Allele origin: germline.
Comment: This variant was observed as part of a predisposition screen in an ostensibly healthy population. A literature search was performed for the gene, cDNA change, and amino acid change (where applicable). No publications were found based on this search. Allele frequency data from public databases allowed determination this variant is unlikely to cause disease. Therefore, this variant is classified as likely benign.

Athena Diagnostics
Classification: Benign. Last evaluated: 2017-04-11. Review status: criteria provided, single submitter. Criteria: Athena Diagnostics Criteria. Collection method: clinical testing. Allele origin: germline.

Breakthrough Genomics
Classification: Likely benign. Review status: criteria provided, single submitter. Criteria: ACMG Guidelines, 2015. Collection method: not provided. Allele origin: germline. Inheritance: Autosomal dominant inheritance. Affected: yes.